The following is an entry in ClinVar:

NM_001379110.1(SLC9A6):c.1768-167T>G

Gene: SLC9A6 (solute carrier family 9 member A6; plus strand). Cytogenetic location: Xq26.3.
Variant type: single nucleotide variant.
Coding change: c.1768-167T>G on transcript NM_001379110.1 (MANE Select); 167 bases into the intron before coding-DNA position 1768, T replaced by G.
Molecular consequence: intron variant.
Genome position (GRCh38, 1-based): chrX:136,044,285, T>G. VCF-style: chrX-136044285-T-G. GRCh37 (hg19) VCF-style: chrX-135126444-T-G.
Other names: c.1834-167T>G (NM_001042537.2); c.1738-167T>G (NM_006359.3); c.1678-167T>G (NM_001177651.2); c.1582-167T>G (NM_001330652.2).
Identifiers: ClinVar variation 677001 (VCV000677001.1), dbSNP rs112451243, ClinGen allele CA336249934.
Genomic context (GRCh38, chrX:136,044,285, plus strand): 5'-GGCAGACAATGGGGCCTTTGGTGTGGGAGGGGCAGATTGTAGCAGGAGAGGAACTAAGGA[T>G]GCCAAGTCACGCTGTATTTTAAGCCAAGGTATGGACTTTAGACTTTATCCTGAGGGCAGT-3'

ClinVar aggregate classification (germline): Benign (1 of 4 stars; one submission).

Allele frequency attached by ClinVar (database versions not stated): gnomAD 0.09055 and 0.09109; TOPMed 0.09748; 1000 Genomes Project 30x 0.11655; 1000 Genomes Project 0.12132.
gnomAD v4.1: 9,928 of 110,585 alleles (9%); highest among the groups gnomAD compares: African/African-American, 21%; 578 homozygotes.

Submission:

GeneDx
Classification: Benign. Last evaluated: 2018-06-14. Review status: criteria provided, single submitter. Criteria: GeneDx Variant Classification (06012015). Collection method: clinical testing. Allele origin: germline. Affected: yes.
Comment: This variant is considered likely benign or benign based on one or more of the following criteria: it is a conservative change, it occurs at a poorly conserved position in the protein, it is predicted to be benign by multiple in silico algorithms, and/or has population frequency not consistent with disease.